The following is an entry in ClinVar:

ClinVar aggregate classification (germline): Benign. Review status: criteria provided, multiple submitters, no conflicts (2 of 4 stars). 3 submissions from 3 submitters: Benign (2). 1 of the submissions does not count toward it. Last evaluated 2019-12-31.

Conditions:
TNS1-related disorder. Also called: TNS1-related condition.

Allele frequency attached by ClinVar (database versions not stated): ExAC 0.00214; ESP Exome Variant Server 0.00630; 1000 Genomes Project 0.00759; gnomAD exomes 0.00064 and 0.00168; gnomAD 0.00682 and 0.00732; TOPMed 0.00719; 1000 Genomes Project 30x 0.00765.
gnomAD v4.1: 1,986 of 1,613,866 alleles (0.12%); highest among the groups gnomAD compares: African/African-American, 2.3%; 18 homozygotes.

Submissions (3):

Labcorp Genetics (formerly Invitae), Labcorp
Classification: Benign. Last evaluated: 2019-12-31. Review status: criteria provided, single submitter. Criteria: Invitae Variant Classification Sherloc (09022015). Collection method: clinical testing. Allele origin: germline.

Breakthrough Genomics
Classification: Benign. Review status: criteria provided, single submitter. Criteria: ACMG Guidelines, 2015. Collection method: not provided. Allele origin: germline. Inheritance: Unknown mechanism. Affected: yes.

PreventionGenetics, part of Exact Sciences
Classification: Benign for TNS1-related condition. Last evaluated: 2019-07-19. Review status: no assertion criteria provided. Collection method: clinical testing. Allele origin: germline. Not counted in ClinVar's aggregate classification.
Comment: This variant is classified as benign based on ACMG/AMP sequence variant interpretation guidelines (Richards et al. 2015 PMID: 25741868, with internal and published modifications).

NM_001387777.1(TNS1):c.4435G>A (p.Ala1479Thr)

Gene: TNS1 (tensin 1; minus strand). Cytogenetic location: 2q35.
Variant type: single nucleotide variant.
Coding change: c.4435G>A on transcript NM_001387777.1 (MANE Select); coding-DNA position 4435, G replaced by A.
Protein change: p.Ala1479Thr; replaces alanine 1479 with threonine.
Molecular consequence: missense variant.
Genome position (GRCh38, 1-based): chr2:217,817,897, C>T on the plus strand (G>A on the coding strand, the complement: TNS1 is on the minus strand). VCF-style: chr2-217817897-C-T. GRCh37 (hg19) VCF-style: chr2-218682620-C-T.
Other names: c.4084G>A, p.Ala1362Thr (NM_001308022.2); c.4060G>A, p.Ala1354Thr (NM_001308023.2); c.4123G>A, p.Ala1375Thr (NM_022648.7); short protein forms A1375T, A1354T, A1362T, A1479T.
Identifiers: ClinVar variation 783125 (VCV000783125.7), dbSNP rs143531869, ClinGen allele CA2099624.